The following is an entry in ClinVar:

ClinVar aggregate classification (germline): Conflicting classifications of pathogenicity. Review status: criteria provided, conflicting classifications (1 of 4 stars). 2 submissions from 2 submitters: Uncertain significance (1); Likely benign (1). Last evaluated 2025-10-07.

Conditions:
Inborn genetic diseases. Identifiers: MedGen C0950123, MeSH D030342.

Allele frequency attached by ClinVar (database versions not stated): ExAC 0.00002; gnomAD 0.00003; gnomAD exomes 0.00001.
gnomAD v4.1: 19 of 1,612,392 alleles (0.0012%); highest among the groups gnomAD compares: African/African-American, 0.0027%; no homozygotes.

Submissions (2):

Ambry Genetics
Classification: Uncertain significance for Inborn genetic diseases. Last evaluated: 2025-10-07. Review status: criteria provided, single submitter. Criteria: Ambry Variant Classification Scheme 2023. Collection method: clinical testing. Allele origin: germline.

GeneDx
Classification: Likely benign. Last evaluated: 2015-08-19. Review status: criteria provided, single submitter. Criteria: GeneDx Variant Classification (06012015). Collection method: clinical testing. Allele origin: germline. Affected: yes.
Comment: This variant is considered likely benign or benign based on one or more of the following criteria: it is a conservative change, it occurs at a poorly conserved position in the protein, it is predicted to be benign by multiple in silico algorithms, and/or has population frequency not consistent with disease.

NM_020320.5(RARS2):c.1221C>A (p.Asn407Lys)

Gene: RARS2 (arginyl-tRNA synthetase 2, mitochondrial; minus strand). Cytogenetic location: 6q15.
Variant type: single nucleotide variant.
Coding change: c.1221C>A on transcript NM_020320.5 (MANE Select); coding-DNA position 1221, C replaced by A.
Protein change: p.Asn407Lys; replaces asparagine 407 with lysine.
Molecular consequence: missense variant. On other transcripts: non-coding transcript variant (23).
Genome position (GRCh38, 1-based): chr6:87,519,599, G>T on the plus strand (C>A on the coding strand, the complement: RARS2 is on the minus strand). VCF-style: chr6-87519599-G-T. GRCh37 (hg19) VCF-style: chr6-88229317-G-T.
Other names: p.N407K:AAC>AAA; c.696C>A, p.Asn232Lys (NM_001318785.2, NM_001350506.2, NM_001350507.2 and 4 more transcripts); c.1221C>A, p.Asn407Lys (NM_001350505.2); short protein forms N407K, N232K.
Identifiers: ClinVar variation 215053 (VCV000215053.2), dbSNP rs760831364, ClinGen allele CA320625.